The following is an entry in ClinVar:

NM_004586.3(RPS6KA3):c.57C>G (p.Ser19=)

Genes: RPS6KA3 (ribosomal protein S6 kinase A3; minus strand), LOC130068032 (ATAC-STARR-seq lymphoblastoid silent region 20696; plus strand). Cytogenetic location: Xp22.12.
Variant type: single nucleotide variant.
Coding change: c.57C>G on transcript NM_004586.3 (MANE Select); coding-DNA position 57, C replaced by G.
Protein change: p.Ser19=; no amino-acid change (serine 19 retained).
Molecular consequence: synonymous variant.
Genome position (GRCh38, 1-based): chrX:20,266,576, G>C on the plus strand (C>G on the coding strand, the complement: RPS6KA3 is on the minus strand). VCF-style: chrX-20266576-G-C. GRCh37 (hg19) VCF-style: chrX-20284694-G-C.
Identifiers: ClinVar variation 2660142 (VCV002660142.24), dbSNP rs1163475798, ClinGen allele CA515613103.

ClinVar aggregate classification (germline): Likely benign (1 of 4 stars; one submission).

Submission:

CeGaT Center for Human Genetics Tuebingen
Classification: Likely benign. Last evaluated: 2022-07-01. Review status: criteria provided, single submitter. Criteria: CeGaT Center For Human Genetics Tuebingen Variant Classification Criteria Version 2. Collection method: clinical testing. Allele origin: germline. Affected: yes. Observed: 1 variant allele.
Comment: RPS6KA3: PM2:Supporting, BP4, BP7